The following is an entry in ClinVar:

ClinVar aggregate classification (germline): Uncertain significance (1 of 4 stars; one submission).

gnomAD v4.1: 4 of 1,198,275 alleles (0.00033%); highest among the groups gnomAD compares: Non-Finnish European, 0.00045%; no homozygotes.

Submission:

Labcorp Genetics (formerly Invitae), Labcorp
Classification: Uncertain significance. Last evaluated: 2025-01-06. Review status: criteria provided, single submitter. Criteria: Invitae Variant Classification Sherloc (09022015). Collection method: clinical testing. Allele origin: germline.
Comment: This sequence change replaces proline, which is neutral and non-polar, with threonine, which is neutral and polar, at codon 148 of the COL4A6 protein (p.Pro148Thr). This variant is not present in population databases (gnomAD no frequency). This variant has not been reported in the literature in individuals affected with COL4A6-related conditions. ClinVar contains an entry for this variant (Variation ID: 1363411). Experimental studies and prediction algorithms are not available or were not evaluated, and the functional significance of this variant is currently unknown. In summary, the available evidence is currently insufficient to determine the role of this variant in disease. Therefore, it has been classified as a Variant of Uncertain Significance.

NM_033641.4(COL4A6):c.439C>A (p.Pro147Thr)

Gene: COL4A6 (collagen type IV alpha 6 chain; minus strand). Cytogenetic location: Xq22.3.
Variant type: single nucleotide variant.
Coding change: c.439C>A on transcript NM_033641.4 (MANE Select); coding-DNA position 439, C replaced by A.
Protein change: p.Pro147Thr; replaces proline 147 with threonine.
Molecular consequence: missense variant.
Genome position (GRCh38, 1-based): chrX:108,214,114, G>T on the plus strand (C>A on the coding strand, the complement: COL4A6 is on the minus strand). VCF-style: chrX-108214114-G-T. GRCh37 (hg19) VCF-style: chrX-107457344-G-T.
Other names: c.439C>A, p.Pro147Thr (NM_001287758.2, NM_001287759.2, NM_001287760.2); c.442C>A, p.Pro148Thr (NM_001847.4); short protein forms P148T, P147T.
Identifiers: ClinVar variation 1363411 (VCV001363411.6), dbSNP rs2148236142, ClinGen allele CA413903730.